The following is an entry in ClinVar:

ClinVar aggregate classification (germline): Uncertain significance. Review status: criteria provided, multiple submitters, no conflicts (2 of 4 stars). 2 submissions from 2 submitters: Uncertain significance (2). Last evaluated 2025-07-03.

Conditions:
Cardiovascular phenotype. Identifiers: MedGen CN230736.

Submissions (2):

Ambry Genetics
Classification: Uncertain significance for Cardiovascular phenotype. Last evaluated: 2025-07-03. Review status: criteria provided, single submitter. Criteria: Ambry Variant Classification Scheme 2023. Collection method: clinical testing. Allele origin: germline.
Comment: The p.L220R variant (also known as c.659T>G), located in coding exon 4 of the BGN gene, results from a T to G substitution at nucleotide position 659. The leucine at codon 220 is replaced by arginine, an amino acid with dissimilar properties. This amino acid position is conserved. In addition, this alteration is predicted to be deleterious by in silico analysis. Based on the available evidence, the clinical significance of this variant remains unclear.

Labcorp Genetics (formerly Invitae), Labcorp
Classification: Uncertain significance. Last evaluated: 2025-02-09. Review status: criteria provided, single submitter. Criteria: Invitae Variant Classification Sherloc (09022015). Collection method: clinical testing. Allele origin: germline.
Comment: This sequence change replaces leucine, which is neutral and non-polar, with arginine, which is basic and polar, at codon 220 of the BGN protein (p.Leu220Arg). This variant is not present in population databases (gnomAD no frequency). This variant has not been reported in the literature in individuals affected with BGN-related conditions. Invitae Evidence Modeling of protein sequence and biophysical properties (such as structural, functional, and spatial information, amino acid conservation, physicochemical variation, residue mobility, and thermodynamic stability) indicates that this missense variant is expected to disrupt BGN protein function with a positive predictive value of 80%. In summary, the available evidence is currently insufficient to determine the role of this variant in disease. Therefore, it has been classified as a Variant of Uncertain Significance.

NM_001711.6(BGN):c.659T>G (p.Leu220Arg)

Gene: BGN (biglycan; plus strand). Cytogenetic location: Xq28.
Variant type: single nucleotide variant.
Coding change: c.659T>G on transcript NM_001711.6 (MANE Select); coding-DNA position 659, T replaced by G.
Protein change: p.Leu220Arg; replaces leucine 220 with arginine.
Molecular consequence: missense variant.
Genome position (GRCh38, 1-based): chrX:153,506,622, T>G. VCF-style: chrX-153506622-T-G. GRCh37 (hg19) VCF-style: chrX-152772080-T-G.
Other names: short protein forms L220R.
Identifiers: ClinVar variation 4206828 (VCV004206828.2).